The following is an entry in ClinVar:

ClinVar aggregate classification (germline): Uncertain significance (1 of 4 stars; one submission).

Conditions:
Neuronal ceroid lipofuscinosis 11. Also called: GRN-Related Neuronal Ceroid-Lipofuscinosis. Identifiers: Orphanet 314629, Orphanet 79262, MedGen C3539123, MONDO:0013866, OMIM 614706.
GRN-related frontotemporal lobar degeneration with Tdp43 inclusions (FTD2). Also called: DEMENTIA, HEREDITARY DYSPHASIC DISINHIBITION; FRONTOTEMPORAL LOBAR DEGENERATION WITH UBIQUITIN-POSITIVE INCLUSIONS; FTLD-TDP, GRN-RELATED; GRN Frontotemporal Dementia; FRONTOTEMPORAL DEMENTIA WITH TDP43 INCLUSIONS, GRN-RELATED. Identifiers: Orphanet 100070, Orphanet 282, MedGen C1843792, MONDO:0011842, OMIM 607485. Disease mechanism: loss of function.

Submission:

Labcorp Genetics (formerly Invitae), Labcorp
Classification: Uncertain significance for Neuronal ceroid lipofuscinosis 11; GRN-related frontotemporal lobar degeneration with Tdp43 inclusions. Last evaluated: 2022-09-25. Review status: criteria provided, single submitter. Criteria: Invitae Variant Classification Sherloc (09022015). Collection method: clinical testing. Allele origin: germline.
Comment: This sequence change replaces arginine, which is basic and polar, with proline, which is neutral and non-polar, at codon 418 of the GRN protein (p.Arg418Pro). This variant is not present in population databases (gnomAD no frequency). This variant has not been reported in the literature in individuals affected with GRN-related conditions. Advanced modeling of protein sequence and biophysical properties (such as structural, functional, and spatial information, amino acid conservation, physicochemical variation, residue mobility, and thermodynamic stability) performed at Invitae indicates that this missense variant is not expected to disrupt GRN protein function. In summary, the available evidence is currently insufficient to determine the role of this variant in disease. Therefore, it has been classified as a Variant of Uncertain Significance.

NM_002087.4(GRN):c.1253G>C (p.Arg418Pro)

Gene: GRN (granulin precursor; plus strand). Cytogenetic location: 17q21.31.
Variant type: single nucleotide variant.
Coding change: c.1253G>C on transcript NM_002087.4 (MANE Select); coding-DNA position 1253, G replaced by C.
Protein change: p.Arg418Pro; replaces arginine 418 with proline.
Molecular consequence: missense variant.
Genome position (GRCh38, 1-based): chr17:44,352,088, G>C. VCF-style: chr17-44352088-G-C. GRCh37 (hg19) VCF-style: chr17-42429456-G-C.
Other names: short protein forms R418P.
Identifiers: ClinVar variation 2168427 (VCV002168427.4), dbSNP rs63751100, ClinGen allele CA399768566.
Genomic context (GRCh38, chr17:44,352,088, plus strand): 5'-CGGACCACCAGCACTGCTGCCCCCAGGGCTACACGTGTGTAGCTGAGGGGCAGTGTCAGC[G>C]AGGAAGCGAGATCGTGGCTGGACTGGAGAAGATGCCTGCCCGCCGGGCTTCCTTATCCCA-3'
Protein context (NP_002078.1, residues 408-428): YTCVAEGQCQ[Arg418Pro]GSEIVAGLEK